The following is an entry in ClinVar:

NM_000051.4(ATM):c.6999A>G (p.Thr2333=)

Genes: ATM (ATM serine/threonine kinase; plus strand), C11orf65 (chromosome 11 open reading frame 65; minus strand). Cytogenetic location: 11q22.3.
Variant type: single nucleotide variant.
Coding change: c.6999A>G on transcript NM_000051.4 (MANE Select); coding-DNA position 6999, A replaced by G.
Protein change: p.Thr2333=; no amino-acid change (threonine 2333 retained).
Molecular consequence: synonymous variant. On other transcripts: intron variant (2).
Genome position (GRCh38, 1-based): chr11:108,327,668, A>G. VCF-style: chr11-108327668-A-G. GRCh37 (hg19) VCF-style: chr11-108198395-A-G.
Other names: c.6999A>G, p.Thr2333= (NM_001351834.2); c.641-18597T>C (NM_001330368.2); c.*38+7552T>C (NM_001351110.2).
Identifiers: ClinVar variation 232060 (VCV000232060.32), dbSNP rs759267807, ClinGen allele CA6266053.
Genomic context (GRCh38, chr11:108,327,668, plus strand): 5'-ATGCATTATATTTTAAGATTTTGCCTTTCTTATACAGAACAATCCCAGCCTAAAACTTAC[A>G]TACACAGAATGTCTGAGGGTTTGTGGCAACTGGTTAGCAGAAACGTGCTTAGAAAATCCT-3'
Protein context (NP_000042.3, residues 2323-2343): CAANNPSLKL[Thr2333=]YTECLRVCGN

ClinVar aggregate classification (germline): Benign/Likely benign. Review status: criteria provided, multiple submitters, no conflicts (2 of 4 stars). 10 submissions from 10 submitters: Benign (1); Likely benign (9). Last evaluated 2026-01-07.

Conditions:
Hereditary cancer-predisposing syndrome. Also called: Neoplastic Syndromes, Hereditary; Hereditary neoplastic syndrome; Tumor predisposition; Hereditary Cancer Syndrome. Identifiers: Orphanet 140162, MedGen C0027672, MeSH D009386, MONDO:0015356.
Breast and/or ovarian cancer. Identifiers: MedGen CN221562.
Ataxia-telangiectasia syndrome (AT). Also called: Ataxia telangiectasia (A-T); Cerebello-oculocutaneous telangiectasia; Immunodeficiency with ataxia telangiectasia; LOUIS-BAR SYNDROME; AT, COMPLEMENTATION GROUP C; ATAXIA-TELANGIECTASIA, FRESNO VARIANT. Identifiers: Orphanet 100, MedGen C0004135, MONDO:0008840, OMIM 208900.
Familial cancer of breast. Also called: hereditary breast carcinoma; Hereditary breast cancer; BREAST CANCER, FAMILIAL. Identifiers: Orphanet 227535, MedGen C0346153, MONDO:0016419, OMIM 114480. Disease mechanism: loss of function.

Allele frequency attached by ClinVar (database versions not stated): ExAC 0.00001; gnomAD exomes below 0.00001 and 0.00001.
gnomAD v4.1: 14 of 1,613,962 alleles (0.00087%); highest among the groups gnomAD compares: Non-Finnish European, 0.0012%; no homozygotes.

Submissions (10):

Labcorp Genetics (formerly Invitae), Labcorp
Classification: Likely benign for Ataxia-telangiectasia syndrome. Last evaluated: 2026-01-07. Review status: criteria provided, single submitter. Criteria: Invitae Variant Classification Sherloc (09022015). Collection method: clinical testing. Allele origin: germline.

Quest Diagnostics Nichols Institute San Juan Capistrano
Classification: Likely benign. Last evaluated: 2025-09-26. Review status: criteria provided, single submitter. Criteria: Quest Diagnostics criteria. Collection method: clinical testing. Allele origin: unknown.

CeGaT Center for Human Genetics Tuebingen
Classification: Likely benign. Last evaluated: 2025-07-01. Review status: criteria provided, single submitter. Criteria: CeGaT Center For Human Genetics Tuebingen Variant Classification Criteria Version 2. Collection method: clinical testing. Allele origin: germline. Affected: yes. Observed: 1 variant allele.
Comment: ATM: BP4, BP7

Myriad Genetics, Inc.
Classification: Benign for Familial cancer of breast. Last evaluated: 2024-06-12. Review status: criteria provided, single submitter. Criteria: Myriad Autosomal Dominant, Autosomal Recessive and X-Linked Classification Criteria (2023). Collection method: clinical testing. Allele origin: unknown.
Comment: This variant is considered benign. This variant is a silent/synonymous amino acid change and it is not expected to impact splicing.

CHEO Genetics Diagnostic Laboratory, Children's Hospital of Eastern Ontario
Classification: Likely benign for Breast and/or ovarian cancer. Last evaluated: 2021-06-24. Review status: criteria provided, single submitter. Criteria: ACMG Guidelines, 2015. Collection method: clinical testing. Allele origin: germline.

GeneDx
Classification: Likely benign. Last evaluated: 2021-06-01. Review status: criteria provided, single submitter. Criteria: GeneDx Variant Classification Process June 2021. Collection method: clinical testing. Allele origin: germline. Affected: yes.

Sema4
Classification: Likely benign for Hereditary cancer-predisposing syndrome. Last evaluated: 2021-03-19. Review status: criteria provided, single submitter. Criteria: Sema4 Curation Guidelines. Collection method: curation. Allele origin: germline.

Color Diagnostics, LLC DBA Color Health
Classification: Likely benign for Hereditary cancer-predisposing syndrome. Last evaluated: 2019-02-04. Review status: criteria provided, single submitter. Criteria: ACMG Guidelines, 2015. Collection method: clinical testing. Allele origin: germline.

Athena Diagnostics
Classification: Likely benign. Last evaluated: 2018-08-06. Review status: criteria provided, single submitter. Criteria: Athena Diagnostics Criteria. Collection method: clinical testing. Allele origin: germline.

Ambry Genetics
Classification: Likely benign for Hereditary cancer-predisposing syndrome. Last evaluated: 2015-05-29. Review status: criteria provided, single submitter. Criteria: Ambry Variant Classification Scheme 2023. Collection method: clinical testing. Allele origin: germline.